The following is an entry in ClinVar:

NM_005422.4(TECTA):c.1768G>A (p.Gly590Arg)

Genes: TBCEL-TECTA (TBCEL-TECTA readthrough; plus strand), TECTA (tectorin alpha; plus strand). Cytogenetic location: 11q23.3.
Variant type: single nucleotide variant.
Coding change: c.1768G>A on transcript NM_005422.4 (MANE Select); coding-DNA position 1768, G replaced by A.
Protein change: p.Gly590Arg; replaces glycine 590 with arginine.
Molecular consequence: missense variant.
Genome position (GRCh38, 1-based): chr11:121,125,866, G>A. VCF-style: chr11-121125866-G-A. GRCh37 (hg19) VCF-style: chr11-120996575-G-A.
Other names: c.2725G>A, p.Gly909Arg (NM_001378761.1); short protein forms G909R, G590R.
Identifiers: ClinVar variation 2136183 (VCV002136183.1), dbSNP rs1946606481, ClinGen allele CA383012778.
Genomic context (GRCh38, chr11:121,125,866, plus strand): 5'-GCCTATGCTCTTGTGTGCCAAGCCCTTGGCATTCCAATTGGAGACTGGCGAACCCAGACT[G>A]GGTGTGGTAAGCTGGCATCCCATCCCCATGACAGGTCTCTCTTGTGCAGGGGGCAGGGAT-3'
Protein context (NP_005413.2, residues 580-600): IPIGDWRTQT[Gly590Arg]CVSTVQCPSF

ClinVar aggregate classification (germline): Uncertain significance (1 of 4 stars; one submission).

Allele frequency attached by ClinVar (database versions not stated): TOPMed below 0.00001.

Submission:

GeneDx
Classification: Uncertain significance. Last evaluated: 2022-07-20. Review status: criteria provided, single submitter. Criteria: GeneDx Variant Classification Process June 2021. Collection method: clinical testing. Allele origin: germline. Affected: yes.
Comment: Not observed at significant frequency in large population cohorts (gnomAD); In silico analysis supports that this missense variant does not alter protein structure/function; In silico analysis suggests this variant may impact gene splicing. In the absence of RNA/functional studies, the actual effect of this sequence change is unknown.; Has not been previously published as pathogenic or benign to our knowledge